The following is an entry in ClinVar:

ClinVar aggregate classification (germline): Pathogenic. Review status: criteria provided, multiple submitters, no conflicts (2 of 4 stars). 12 submissions from 11 submitters: Pathogenic (9). 3 of the submissions do not count toward it. Last evaluated 2025-10-02.

Conditions:
CITRIN DEFICIENCY, NEONATAL ONSET.
SLC25A13-related disorder. Also called: SLC25A13-related condition.
Citrullinemia, type II, adult-onset (CDAA). Also called: CITRIN DEFICIENCY, ADOLESCENT OR ADULT ONSET. Identifiers: Orphanet 247585, MedGen CN295299, MONDO:0011326, OMIM 603471.
Citrullinemia. Identifiers: Orphanet 187, MedGen C0175683, MONDO:0015991.
Neonatal intrahepatic cholestasis due to citrin deficiency (CDNI). Also called: Neonatal-onset citrullinemia type II; Neonatal-onset citrullinemia type 2; CITRIN DEFICIENCY, NEONATAL OR INFANTILE ONSET; Neonatal Intrahepatic Cholestasis Caused by Citrin Deficiency (NICCD). Identifiers: Orphanet 247598, MedGen C1853942, MONDO:0011601, OMIM 605814.
Citrin deficiency. Identifiers: Orphanet 247582, MedGen C1997910, MONDO:0016602.
Citrullinemia type II. Also called: Citrullinemia Type II (CTLN2). Identifiers: Orphanet 247585, MedGen C1863844, MONDO:0016603.

Allele frequency attached by ClinVar (database versions not stated): TOPMed 0.00002; gnomAD 0.00005 and 0.00001; gnomAD exomes 0.00005 and 0.00007; 1000 Genomes Project 30x 0.00062; 1000 Genomes Project 0.00080; ExAC 0.00007.
gnomAD v4.1: 102 of 1,614,118 alleles (0.0063%); highest among the groups gnomAD compares: East Asian, 0.23%; no homozygotes.

Submissions (12):

Natera, Inc.
Classification: Pathogenic for Citrullinemia. Last evaluated: 2025-10-02. Review status: criteria provided, single submitter. Criteria: Natera Variant Classification Schema (03/2026). Collection method: clinical testing. Allele origin: germline.
Comment: The c.1177+1G>A variant in SLC25A13 is a canonical splice donor site variant predicted to affect pre-mRNA splicing, which may result in an abnormal transcript and altered protein product. This variant is expected to result in nonsense mediated decay, truncation, or a dysfunctional protein product. This variant is rare in the general population with a frequency below the threshold expected for the associated phenotype(s). This variant has been observed in one or more individuals affected with the associated recessive disease, as either homozygous or compound heterozygous with a second variant (PMID: 22710133). Functional studies show that this variant may disrupt protein function (PMID: 22710133). Given the available evidence, this variant is classified as Pathogenic.

PreventionGenetics, part of Exact Sciences
Classification: Pathogenic for SLC25A13-related condition. Last evaluated: 2025-01-07. Review status: criteria provided, single submitter. Criteria: ACMG Guidelines, 2015. Collection method: clinical testing. Allele origin: germline.
Comment: The SLC25A13 c.1177+1G>A variant is predicted to disrupt the GT donor site and interfere with normal splicing. This variant, which is also described as IVS11+1G>A in the literature, has been reported in the homozygous or compound heterozygous state with a second causative SLC25A13 variant in multiple patients with citrin deficiency (e.g., Kobayashi et al. 1999. PubMed ID: 10369257, also referred to as Mutation II; Hayasaka et al. 2012. PubMed ID: 23430852; Lin et al. 2012. PubMed ID: 22710133; Togawa et al. 2016. PubMed ID: 26858187; Lin et al. 2020. PubMed ID: 31845334). RNA studies have shown that the c.1177+1G>A variant results in skipping of SLC25A13 exon 11 (Kobayashi et al. 1999. PubMed ID: 10369257; Lin et al. 2012. PubMed ID: 22710133). Many splicing and loss-of-function variants have been reported to be causative for SLC25A13-related disorders (e.g., Lin et al. 2016. PubMed ID: 27405544). In summary, we interpret this variant as pathogenic.

3billion
Classification: Pathogenic for Neonatal intrahepatic cholestasis due to citrin deficiency. Last evaluated: 2024-11-20. Review status: criteria provided, single submitter. Criteria: ACMG Guidelines, 2015. Collection method: clinical testing. Allele origin: germline. Affected: yes.
Comment: The variant is observed at an extremely low frequency in the gnomAD v4.1.0 dataset (total allele frequency: 0.006%). Predicted Consequence/Location: Canonical splice site: predicted to alter splicing and result in a loss or disruption of normal protein function. Multiple pathogenic loss-of-function variants are reported downstream of the variant. In silico tools predict the variant to alter splicing and produce an abnormal transcript [SpliceAI: 1.00 (spliceogenicity >=0.2, non-spliceogenicity <0.1)]. The variant has been reported at least twice as pathogenic without evidence for the classification (ClinVar ID: VCV000006002 /PMID: 10369257 /3billion dataset). Therefore, this variant is classified as Pathogenic according to the recommendation of ACMG/AMP guideline.

Labcorp Genetics (formerly Invitae), Labcorp
Classification: Pathogenic for Citrin deficiency. Last evaluated: 2024-10-19. Review status: criteria provided, single submitter. Criteria: Invitae Variant Classification Sherloc (09022015). Collection method: clinical testing. Allele origin: germline.
Comment: This sequence change affects a donor splice site in intron 11 of the SLC25A13 gene. RNA analysis indicates that disruption of this splice site induces altered splicing and likely results in a shortened protein product. This variant is present in population databases (rs80338722, gnomAD 0.07%). Disruption of this splice site has been observed in individuals with citrin deficiency (PMID: 10369257, 12424587, 12512993, 22710133, 23430852). This variant is also known as IVS11+1G>A. ClinVar contains an entry for this variant (Variation ID: 6002). Studies have shown that disruption of this splice site results in skipping of exon 11, but is expected to preserve the integrity of the reading-frame (PMID: 22710133). For these reasons, this variant has been classified as Pathogenic.

Fulgent Genetics
Classification: Pathogenic for Citrullinemia, type II, adult-onset; Neonatal intrahepatic cholestasis due to citrin deficiency. Last evaluated: 2024-06-14. Review status: criteria provided, single submitter. Criteria: ACMG Guidelines, 2015. Collection method: clinical testing. Allele origin: germline.

Baylor Genetics
Classification: Pathogenic for Citrullinemia, type II, adult-onset. Last evaluated: 2024-02-13. Review status: criteria provided, single submitter. Criteria: ACMG Guidelines, 2015. Collection method: clinical testing. Allele origin: unknown.

Genesolutions, Medical Genetics Institutes, Ho Chi Minh City, Vietnam
Classification: Pathogenic for Neonatal intrahepatic cholestasis due to citrin deficiency. Last evaluated: 2022-06-30. Review status: criteria provided, single submitter. Criteria: ACMG Guidelines, 2015. Collection method: clinical testing. Allele origin: germline. Affected: yes.

Illumina Laboratory Services, Illumina
Classification: Pathogenic for Citrullinemia, type II, adult-onset. Last evaluated: 2017-04-27. Review status: criteria provided, single submitter. Criteria: ICSL Variant Classification Criteria 09 May 2019. Collection method: clinical testing. Allele origin: germline.
Comment: The SLC25A13 c.1177+1G>A variant, which occurs in a canonical splice site (donor) and is therefore predicted to disrupt or distort the normal gene product, is a common pathogenic variant in Japanese individuals with citrin deficiency (Kobayashi et al. 2005). Across a selection of available literature, the c.1177+1G>A variant has been identified in a homozygous state in 11 patients and in a compound heterozygous state in at least three patients (Kobayashi et al. 1999; Ohura et al. 2001; Tamamori et al. 2002; Liu et al. 2014). The c.1177+1G>A variant was absent from 234 controls and is reported at a frequency of 0.01923 in the Japanese in Tokyo, Japan population of the 1000 Genomes Project. Based on the evidence from the literature and the potential impact of splice donor variants, the c.1177+1G>A variant is classified as pathogenic for citrin deficiency. This variant was observed by ICSL as part of a predisposition screen in an ostensibly healthy population.

Juno Genomics, Hangzhou Juno Genomics, Inc
Classification: Pathogenic for Citrullinemia, type II, adult-onset; Neonatal intrahepatic cholestasis due to citrin deficiency. Review status: criteria provided, single submitter. Criteria: ACMG Guidelines, 2015. Collection method: clinical testing. Allele origin: germline.
Comment: Null variant in a gene where loss of function (LOF) is a known mechanism of disease.;For recessive disorders, detected in trans with a pathogenic variant.

OMIM
Classification: Pathogenic for CITRIN DEFICIENCY, ADULT ONSET. Last evaluated: 2001-05-01. Review status: no assertion criteria provided. Collection method: literature only. Allele origin: germline. Not counted in ClinVar's aggregate classification.

OMIM
Classification: Pathogenic for CITRIN DEFICIENCY, NEONATAL ONSET. Last evaluated: 2001-05-01. Review status: no assertion criteria provided. Collection method: literature only. Allele origin: germline. Not counted in ClinVar's aggregate classification.

GeneReviews
No classification provided. Condition: Citrullinemia, type II, adult-onset. Review status: no classification provided. Collection method: literature only. Allele origin: germline. Not counted in ClinVar's aggregate classification.

Literature cited by the submitters: PubMed 22710133 (cited by Natera, Inc. and Labcorp Genetics (formerly Invitae), Labcorp); PubMed 10369257 (cited by 5 submitters); PubMed 12424587 (cited by Labcorp Genetics (formerly Invitae), Labcorp and Illumina Laboratory Services, Illumina); PubMed 12512993 (cited by Labcorp Genetics (formerly Invitae), Labcorp); PubMed 23430852 (cited by Labcorp Genetics (formerly Invitae), Labcorp); PubMed 36599957 (cited by Genesolutions, Medical Genetics Institutes, Ho Chi Minh City, Vietnam); PubMed 20301360 (cited by Illumina Laboratory Services, Illumina); PubMed 24161253 (cited by Illumina Laboratory Services, Illumina); PubMed 11281457 (cited by Illumina Laboratory Services, Illumina and OMIM); PubMed 11343053 (cited by OMIM); NCBI Bookshelf NBK1181 (cited by GeneReviews).

NM_014251.3(SLC25A13):c.1177+1G>A

Gene: SLC25A13 (solute carrier family 25 member 13; minus strand). Cytogenetic location: 7q21.3.
Variant type: single nucleotide variant.
Coding change: c.1177+1G>A on transcript NM_014251.3 (MANE Select); the canonical splice donor site of the intron after coding-DNA position 1177, G replaced by A.
Molecular consequence: splice donor variant.
Genome position (GRCh38, 1-based): chr7:96,184,276, C>T on the plus strand (G>A on the coding strand, the complement: SLC25A13 is on the minus strand). VCF-style: chr7-96184276-C-T. GRCh37 (hg19) VCF-style: chr7-95813588-C-T.
Other names: IVS11+1G>A; IVS11DS, G-A, +1; c.1180+1G>A (NM_001160210.2).
Identifiers: ClinVar variation 6002 (VCV000006002.54), dbSNP rs80338722, ClinGen allele CA253674.